The following is an entry in ClinVar:

NM_006531.5(IFT88):c.2282G>A (p.Arg761Gln)

Gene: IFT88 (intraflagellar transport 88; plus strand). Cytogenetic location: 13q12.11.
Variant type: single nucleotide variant.
Coding change: c.2282G>A on transcript NM_006531.5 (MANE Select); coding-DNA position 2282, G replaced by A.
Protein change: p.Arg761Gln; replaces arginine 761 with glutamine.
Molecular consequence: missense variant. On other transcripts: non-coding transcript variant (4), intron variant (5).
Genome position (GRCh38, 1-based): chr13:20,690,744, G>A. VCF-style: chr13-20690744-G-A. GRCh37 (hg19) VCF-style: chr13-21264883-G-A.
Other names: c.2225G>A, p.Arg742Gln (NM_001318491.2); c.2309G>A, p.Arg770Gln (NM_001318493.2, NM_001353565.2, NM_001353566.2 and 2 more transcripts); c.2282G>A, p.Arg761Gln (NM_001353568.2); c.2207G>A, p.Arg736Gln (NM_001353569.2, NM_001353570.2); c.2180G>A, p.Arg727Gln (NM_001353571.2); c.2138G>A, p.Arg713Gln (NM_001353573.2); c.2123G>A, p.Arg708Gln (NM_001353574.2); c.1649G>A, p.Arg550Gln (NM_001353579.2); and 4 more; short protein forms R550Q, R727Q, R742Q, R770Q, R708Q, R736Q, R713Q, R761Q.
Identifiers: ClinVar variation 3718252 (VCV003718252.2).
Genomic context (GRCh38, chr13:20,690,744, plus strand): 5'-TTTTTATTTTCGTGTTTTCAGATAGTGGCCAGAACTATAGTGCCAGTAGTAAAGGTGAAC[G>A]ACTAAGTGCCAGACTCAGAGCTTTACCTGGGACAAATGAACCTTATGAAAGTAGCAGTAA-3'
Protein context (NP_006522.2, residues 751-771): QNYSASSKGE[Arg761Gln]LSARLRALPG

ClinVar aggregate classification (germline): Uncertain significance (1 of 4 stars; one submission).

gnomAD v4.1: 1 of 1,613,702 alleles (0.000062%); highest among the groups gnomAD compares: Non-Finnish European, 0.000085%; no homozygotes.

Submission:

Labcorp Genetics (formerly Invitae), Labcorp
Classification: Uncertain significance. Last evaluated: 2024-02-20. Review status: criteria provided, single submitter. Criteria: Invitae Variant Classification Sherloc (09022015). Collection method: clinical testing. Allele origin: germline.
Comment: This sequence change replaces arginine, which is basic and polar, with glutamine, which is neutral and polar, at codon 770 of the IFT88 protein (p.Arg770Gln). This variant is not present in population databases (gnomAD no frequency). This variant has not been reported in the literature in individuals affected with IFT88-related conditions. Algorithms developed to predict the effect of missense changes on protein structure and function output the following: SIFT: "Not Available"; PolyPhen-2: "Benign"; Align-GVGD: "Not Available". The glutamine amino acid residue is found in multiple mammalian species, which suggests that this missense change does not adversely affect protein function. In summary, the available evidence is currently insufficient to determine the role of this variant in disease. Therefore, it has been classified as a Variant of Uncertain Significance.